The following is an entry in ClinVar:

ClinVar aggregate classification (germline): Uncertain significance (1 of 4 stars; one submission).

Conditions:
Dilated cardiomyopathy 1DD (CMD1DD). Identifiers: Orphanet 154, MedGen C2750995, MONDO:0013168, OMIM 613172.

Allele frequency attached by ClinVar (database versions not stated): gnomAD exomes below 0.00001.
gnomAD v4.1: 2 of 1,550,882 alleles (0.00013%); highest among the groups gnomAD compares: Non-Finnish European, 0.00017%; no homozygotes.

Submission:

Labcorp Genetics (formerly Invitae), Labcorp
Classification: Uncertain significance for Dilated cardiomyopathy 1DD. Last evaluated: 2022-07-19. Review status: criteria provided, single submitter. Criteria: Invitae Variant Classification Sherloc (09022015). Collection method: clinical testing. Allele origin: germline.
Comment: In summary, the available evidence is currently insufficient to determine the role of this variant in disease. Therefore, it has been classified as a Variant of Uncertain Significance. Advanced modeling of protein sequence and biophysical properties (such as structural, functional, and spatial information, amino acid conservation, physicochemical variation, residue mobility, and thermodynamic stability) performed at Invitae indicates that this missense variant is not expected to disrupt RBM20 protein function. ClinVar contains an entry for this variant (Variation ID: 1064291). This variant has not been reported in the literature in individuals affected with RBM20-related conditions. This variant is not present in population databases (gnomAD no frequency). This sequence change replaces cysteine, which is neutral and slightly polar, with arginine, which is basic and polar, at codon 451 of the RBM20 protein (p.Cys451Arg).

NM_001134363.3(RBM20):c.1351T>C (p.Cys451Arg)

Gene: RBM20 (RNA binding motif protein 20; plus strand). Cytogenetic location: 10q25.2.
Variant type: single nucleotide variant.
Coding change: c.1351T>C on transcript NM_001134363.3 (MANE Select); coding-DNA position 1351, T replaced by C.
Protein change: p.Cys451Arg; replaces cysteine 451 with arginine.
Molecular consequence: missense variant.
Genome position (GRCh38, 1-based): chr10:110,784,354, T>C. VCF-style: chr10-110784354-T-C. GRCh37 (hg19) VCF-style: chr10-112544112-T-C.
Other names: short protein forms C451R.
Identifiers: ClinVar variation 1064291 (VCV001064291.9), dbSNP rs2135049976, ClinGen allele CA378387606.